The following is an entry in ClinVar:

ClinVar aggregate classification (germline): Pathogenic (1 of 4 stars; one submission).

Conditions:
Glycine encephalopathy 1 (GCE1). Identifiers: MedGen CN376801, MONDO:0958179, OMIM 605899.

Submission:

Myriad Genetics, Inc.
Classification: Pathogenic for Glycine encephalopathy 1. Last evaluated: 2024-12-17. Review status: criteria provided, single submitter. Criteria: Myriad Autosomal Dominant, Autosomal Recessive and X-Linked Classification Criteria (2023). Collection method: clinical testing. Allele origin: unknown.
Comment: NM_000170.2(GLDC):c.1558delC(L520Sfs*19) is expected to be pathogenic in the context of glycine encephalopathy, GLDC-related. This variant is predicted to lead to an abnormal or absent protein product due to the creation of a premature termination codon in GLDC, a gene where loss-of-function variants are known to be pathogenic. Please note: this variant was assessed in the context of healthy population screening.

NM_000170.3(GLDC):c.1558del (p.Leu520fs)

Gene: GLDC (glycine decarboxylase; minus strand). Cytogenetic location: 9p24.1.
Variant type: Deletion.
Coding change: c.1558del on transcript NM_000170.3 (MANE Select); coding-DNA position 1558, one base deleted (C; older notation c.1558delC).
Protein change: p.Leu520fs; shifts the reading frame from leucine 520.
Molecular consequence: frameshift variant.
Genome position (GRCh38, 1-based): chr9:6,589,217, G deleted on the plus strand (C on the coding strand, the reverse complement: GLDC is on the minus strand); the first of 2 consecutive G bases (chr9:6,589,217-6,589,218); deleting either gives the same sequence. VCF-style (leftmost placement, unchanged base first): chr9-6589216-AG-A. GRCh37 (hg19) VCF-style: chr9-6589216-AG-A.
Other names: short protein forms L520fs.
Identifiers: ClinVar variation 5013866 (VCV005013866.1).
Genomic context (GRCh38, chr9:6,589,216, plus strand): 5'-CAAAGCACAAAACGCAGAAGTCACACAAGACACACAAACCTGTTGAACACTTGATGGGTG[AG>A]GAACGGGCTGGTCCTCTTGAACACAGACCCTGGAATACCTCTGCACTCCTCTCCCATGCT-3'